The following is an entry in ClinVar:

ClinVar aggregate classification (germline): Benign (1 of 4 stars; one submission).

Allele frequency attached by ClinVar (database versions not stated): gnomAD 0.10007 and 0.10353; TOPMed 0.11766; 1000 Genomes Project 0.13139; 1000 Genomes Project 30x 0.13403.
gnomAD v4.1: 11,085 of 111,037 alleles (10%); highest among the groups gnomAD compares: African/African-American, 23%; 759 homozygotes.

Submission:

GeneDx
Classification: Benign. Last evaluated: 2018-06-14. Review status: criteria provided, single submitter. Criteria: GeneDx Variant Classification (06012015). Collection method: clinical testing. Allele origin: germline. Affected: yes.
Comment: This variant is considered likely benign or benign based on one or more of the following criteria: it is a conservative change, it occurs at a poorly conserved position in the protein, it is predicted to be benign by multiple in silico algorithms, and/or has population frequency not consistent with disease.

NM_004006.3(DMD):c.93+5470T>C

Gene: DMD (dystrophin; minus strand). Cytogenetic location: Xp21.1.
Variant type: single nucleotide variant.
Coding change: c.93+5470T>C on transcript NM_004006.3 (MANE Select); 5470 bases into the intron after coding-DNA position 93, T replaced by C.
Molecular consequence: intron variant.
Genome position (GRCh38, 1-based): chrX:33,014,669, A>G on the plus strand (T>C on the coding strand, the complement: DMD is on the minus strand). VCF-style: chrX-33014669-A-G. GRCh37 (hg19) VCF-style: chrX-33032786-A-G.
Other names: c.69+5470T>C (NM_000109.4); c.81+5470T>C (NM_004009.3); c.-277+5470T>C (NM_004010.3).
Identifiers: ClinVar variation 671391 (VCV000671391.1), dbSNP rs5928149, ClinGen allele CA328596528.
Genomic context (GRCh38, chrX:33,014,669, plus strand): 5'-GTGCATTTCAATAGCATCATGAAATTATGGAGTTAGGAACACAATGATTACAATTAAAAT[A>G]TCATGTTCTCAAGAAGACCAGGTAACATCATGGAAAAGAATAGAAGTAAATAAGAAGGAG-3'